The following is an entry in ClinVar:

ClinVar aggregate classification (germline): Benign. Review status: criteria provided, multiple submitters, no conflicts (2 of 4 stars). 2 submissions from 2 submitters: Benign (2). Last evaluated 2018-01-12.

Conditions:
Hermansky-Pudlak syndrome 5 (HPS5). Identifiers: Orphanet 231512, Orphanet 79430, MedGen C3888004, MONDO:0013557, OMIM 614074.

Allele frequency attached by ClinVar (database versions not stated): 1000 Genomes Project 0.02476; 1000 Genomes Project 30x 0.02686; gnomAD 0.02714 and 0.02934; TOPMed 0.03028.

Submissions (2):

Illumina Laboratory Services, Illumina
Classification: Benign for Hermansky-Pudlak syndrome 5. Last evaluated: 2018-01-12. Review status: criteria provided, single submitter. Criteria: ICSL Variant Classification Criteria 13 December 2019. Collection method: clinical testing. Allele origin: germline.
Comment: This variant was observed in the ICSL laboratory as part of a predisposition screen in an ostensibly healthy population. It had not been previously curated by ICSL or reported in the Human Gene Mutation Database (HGMD: prior to June 1st, 2018), and was therefore a candidate for classification through an automated scoring system. Utilizing variant allele frequency, disease prevalence and penetrance estimates, and inheritance mode, an automated score was calculated to assess if this variant is too frequent to cause the disease. Based on the score and internal cut-off values, a variant classified as benign is not then subjected to further curation. The score for this variant resulted in a classification of benign for this disease.

Breakthrough Genomics
Classification: Benign. Review status: criteria provided, single submitter. Criteria: ACMG Guidelines, 2015. Collection method: not provided. Allele origin: germline. Inheritance: Autosomal recessive inheritance. Affected: yes.

NM_181507.2(HPS5):c.*1068T>A

Gene: HPS5 (HPS5 biogenesis of lysosomal organelles complex 2 subunit 2; minus strand). Cytogenetic location: 11p15.1.
Variant type: single nucleotide variant.
Coding change: c.*1068T>A on transcript NM_181507.2 (MANE Select); 1068 bases downstream of the stop codon, T replaced by A.
Molecular consequence: 3 prime UTR variant.
Genome position (GRCh38, 1-based): chr11:18,278,814, A>T on the plus strand (T>A on the coding strand, the complement: HPS5 is on the minus strand). VCF-style: chr11-18278814-A-T. GRCh37 (hg19) VCF-style: chr11-18300361-A-T.
Other names: c.*1068T>A (NM_007216.4, NM_181508.2).
Identifiers: ClinVar variation 303847 (VCV000303847.6), dbSNP rs112456564, ClinGen allele CA10630505.